The following is an entry in ClinVar:

ClinVar aggregate classification (germline): Conflicting classifications of pathogenicity. Review status: criteria provided, conflicting classifications (1 of 4 stars). 2 submissions from 2 submitters: Uncertain significance (1); Likely benign (1). Last evaluated 2024-01-10.

Conditions:
Hereditary cancer-predisposing syndrome. Also called: Neoplastic Syndromes, Hereditary; Tumor predisposition; Hereditary Cancer Syndrome; Hereditary neoplastic syndrome. Identifiers: Orphanet 140162, MedGen C0027672, MeSH D009386, MONDO:0015356.
Multiple endocrine neoplasia, type 2 (MEN2). Identifiers: Orphanet 653, MedGen C4048306, MONDO:0019003. Disease mechanism: gain of function.

Submissions (2):

Labcorp Genetics (formerly Invitae), Labcorp
Classification: Likely benign for Multiple endocrine neoplasia, type 2. Last evaluated: 2024-01-10. Review status: criteria provided, single submitter. Criteria: Invitae Variant Classification Sherloc (09022015). Collection method: clinical testing. Allele origin: germline.

Ambry Genetics
Classification: Uncertain significance for Hereditary cancer-predisposing syndrome. Last evaluated: 2022-11-23. Review status: criteria provided, single submitter. Criteria: Ambry Variant Classification Scheme 2023. Collection method: clinical testing. Allele origin: germline.
Comment: The c.1335T>A variant (also known as p.S445S), located in coding exon 7 of the RET gene, results from a T to A substitution at nucleotide position 1335. This nucleotide substitution does not change the serine at codon 445. This nucleotide position is poorly conserved in available vertebrate species. In silico splice site analysis for this alteration is inconclusive. Since supporting evidence is limited at this time, the clinical significance of this alteration remains unclear.

NM_020975.6(RET):c.1335T>A (p.Ser445=)

Gene: RET (ret proto-oncogene; plus strand). Cytogenetic location: 10q11.21.
Variant type: single nucleotide variant.
Coding change: c.1335T>A on transcript NM_020975.6 (MANE Select); coding-DNA position 1335, T replaced by A.
Protein change: p.Ser445=; no amino-acid change (serine 445 retained).
Molecular consequence: synonymous variant. On other transcripts: intron variant (15).
Genome position (GRCh38, 1-based): chr10:43,111,278, T>A. VCF-style: chr10-43111278-T-A. GRCh37 (hg19) VCF-style: chr10-43606726-T-A.
Other names: c.1335T>A, p.Ser445= (NM_000323.2, NM_001406743.1, NM_001406744.1 and 6 more transcripts); c.573T>A, p.Ser191= (NM_001355216.2); c.1206T>A, p.Ser402= (NM_001406761.1, NM_001406762.1, NM_001406764.1 and 1 more transcripts); c.1047T>A, p.Ser349= (NM_001406766.1, NM_001406767.1, NM_001406770.1); c.939T>A, p.Ser313= (NM_001406769.1, NM_001406772.1); c.897T>A, p.Ser299= (NM_001406771.1, NM_001406773.1); c.810T>A, p.Ser270= (NM_001406774.1); c.609T>A, p.Ser203= (NM_001406775.1, NM_001406776.1, NM_001406777.1 and 1 more transcripts); and 5 more.
Identifiers: ClinVar variation 2708708 (VCV002708708.4), dbSNP rs1554818529, ClinGen allele CA469479657.
Genomic context (GRCh38, chr10:43,111,278, plus strand): 5'-CTGTGTGGAAAACTGCCAGGCATTCAGTGGCATCAACGTCCAGTACAAGCTGCATTCCTC[T>A]GGTGCCAACTGCAGCACGCTAGGGGTGGTCACCTCAGCCGAGGACACCTCGGGGATCCTG-3'
Protein context (NP_066124.1, residues 435-455): GINVQYKLHS[Ser445=]GANCSTLGVV